The following is an entry in ClinVar:

NM_130839.5(UBE3A):c.1188_1194del (p.Glu396fs)

Genes: SNHG14 (small nucleolar RNA host gene 14; plus strand), UBE3A (ubiquitin protein ligase E3A; minus strand). Cytogenetic location: 15q11.2.
Variant type: Deletion.
Coding change: c.1188_1194del on transcript NM_130839.5 (MANE Select); coding-DNA positions 1188 to 1194, 7 bases deleted (GCCCATC; older notation c.1188_1194delGCCCATC).
Protein change: p.Glu396fs; shifts the reading frame from glutamic acid 396.
Molecular consequence: frameshift variant. On other transcripts: non-coding transcript variant (1), intron variant (2).
Genome position (GRCh38, 1-based): chr15:25,370,980-25,370,986, GATGGGC deleted on the plus strand (GCCCATC on the coding strand, the reverse complement: UBE3A is on the minus strand). VCF-style (leftmost placement, unchanged base first): chr15-25370979-GGATGGGC-G. GRCh37 (hg19) VCF-style: chr15-25616126-GGATGGGC-G.
Other names: c.1197_1203del, p.Glu399fs (NM_000462.5); c.1188_1194del, p.Glu396fs (NM_001354505.1, NM_001354538.2, NM_001354545.2); c.1128_1134del, p.Glu376fs (NM_001354506.2, NM_001354507.2, NM_001354508.2 and 17 more transcripts); c.1011_1017del, p.Glu337fs (NM_001354546.2); c.301+4479_301+4485del (NM_001354551.2); c.361+4479_361+4485del (NM_001354550.2); short protein forms E337fs, E376fs, E396fs, E399fs.
Identifiers: ClinVar variation 4855542 (VCV004855542.1).

ClinVar aggregate classification (germline): Likely pathogenic (1 of 4 stars; one submission).

Conditions:
Angelman syndrome (AS). Also called: HAPPY PUPPET SYNDROME. Identifiers: Orphanet 72, MedGen C0162635, MONDO:0007113, OMIM 105830. Disease mechanism: loss of function. Inheritance: AS is caused by disruption of maternally imprinted UBE3A located within the 15q11.2-q13 Angelman syndrome/Prader-Willi syndrome (AS/PWS) region., imprinting disorder.

Submission:

3billion
Classification: Likely pathogenic for Angelman syndrome. Last evaluated: 2026-01-27. Review status: criteria provided, single submitter. Criteria: ACMG Guidelines, 2015. Collection method: clinical testing. Allele origin: germline. Affected: yes.
Comment: The variant is not observed in the gnomAD v4.1.0 dataset. Predicted Consequence/Location: Frameshift: predicted to result in a loss or disruption of normal protein function through nonsense-mediated decay (NMD) or protein truncation. Multiple pathogenic variants are reported downstream of the variant. Therefore, this variant is classified as Likely pathogenic according to the recommendation of ACMG/AMP guideline.